The following is an entry in ClinVar:

ClinVar aggregate classification (germline): Conflicting classifications of pathogenicity. Review status: criteria provided, conflicting classifications (1 of 4 stars). 2 submissions from 2 submitters: Uncertain significance (1); Likely benign (1). Last evaluated 2022-09-27.

Allele frequency attached by ClinVar (database versions not stated): gnomAD exomes 0.00006; ExAC 0.00007; gnomAD 0.00010 and 0.00011; TOPMed 0.00014.
gnomAD v4.1: 76 of 1,613,952 alleles (0.0047%); highest among the groups gnomAD compares: African/African-American, 0.032%; no homozygotes.

Submissions (2):

Labcorp Genetics (formerly Invitae), Labcorp
Classification: Uncertain significance. Last evaluated: 2022-09-27. Review status: criteria provided, single submitter. Criteria: Invitae Variant Classification Sherloc (09022015). Collection method: clinical testing. Allele origin: germline.
Comment: This sequence change replaces valine, which is neutral and non-polar, with isoleucine, which is neutral and non-polar, at codon 180 of the SARS2 protein (p.Val180Ile). In summary, the available evidence is currently insufficient to determine the role of this variant in disease. Therefore, it has been classified as a Variant of Uncertain Significance. Algorithms developed to predict the effect of missense changes on protein structure and function output the following: SIFT: "Tolerated"; PolyPhen-2: "Benign"; Align-GVGD: "Class C0". The isoleucine amino acid residue is found in multiple mammalian species, which suggests that this missense change does not adversely affect protein function. ClinVar contains an entry for this variant (Variation ID: 215110). This variant has not been reported in the literature in individuals affected with SARS2-related conditions. This variant is present in population databases (rs552465576, gnomAD 0.03%).

GeneDx
Classification: Likely benign. Last evaluated: 2015-02-10. Review status: criteria provided, single submitter. Criteria: GeneDx Variant Classification (06012015). Collection method: clinical testing. Allele origin: germline. Affected: yes.
Comment: This variant is considered likely benign or benign based on one or more of the following criteria: it is a conservative change, it occurs at a poorly conserved position in the protein, it is predicted to be benign by multiple in silico algorithms, and/or has population frequency not consistent with disease.

NM_017827.4(SARS2):c.538G>A (p.Val180Ile)

Gene: SARS2 (seryl-tRNA synthetase 2, mitochondrial; minus strand). Cytogenetic location: 19q13.2.
Variant type: single nucleotide variant.
Coding change: c.538G>A on transcript NM_017827.4 (MANE Select); coding-DNA position 538, G replaced by A.
Protein change: p.Val180Ile; replaces valine 180 with isoleucine.
Molecular consequence: missense variant.
Genome position (GRCh38, 1-based): chr19:38,921,443, C>T on the plus strand (G>A on the coding strand, the complement: SARS2 is on the minus strand). VCF-style: chr19-38921443-C-T. GRCh37 (hg19) VCF-style: chr19-39412083-C-T.
Other names: p.V180I:GTC>ATC; c.544G>A, p.Val182Ile (NM_001145901.2); short protein forms V180I, V182I.
Identifiers: ClinVar variation 215110 (VCV000215110.6), dbSNP rs552465576, ClinGen allele CA319888.